The following is an entry in ClinVar:

NM_003060.4(SLC22A5):c.1072T>A (p.Tyr358Asn)

Gene: SLC22A5 (solute carrier family 22 member 5; plus strand). Cytogenetic location: 5q31.1.
Variant type: single nucleotide variant.
Coding change: c.1072T>A on transcript NM_003060.4 (MANE Select); coding-DNA position 1072, T replaced by A.
Protein change: p.Tyr358Asn; replaces tyrosine 358 with asparagine.
Molecular consequence: missense variant.
Genome position (GRCh38, 1-based): chr5:132,390,709, T>A. VCF-style: chr5-132390709-T-A. GRCh37 (hg19) VCF-style: chr5-131726401-T-A.
Other names: c.1144T>A, p.Tyr382Asn (NM_001308122.2); short protein forms Y358N, Y382N.
Identifiers: ClinVar variation 651951 (VCV000651951.15), dbSNP rs61731073, ClinGen allele CA3404073.
Genomic context (GRCh38, chr5:132,390,709, plus strand): 5'-TGGATACTGCTTTTCCAGCTTTCTTCTGCACTCTGTTTCAGGATGACCATATCAGTGGGC[T>A]ATTTTGGGCTTTCGCTTGATACTCCTAACTTGCATGGGGACATCTTTGTGAACTGCTTCC-3'
Protein context (NP_003051.1, residues 348-368): IMLWMTISVG[Tyr358Asn]FGLSLDTPNL

ClinVar aggregate classification (germline): Pathogenic/Likely pathogenic. Review status: criteria provided, multiple submitters, no conflicts (2 of 4 stars). 3 submissions from 3 submitters: Pathogenic (1); Likely pathogenic (2). Last evaluated 2025-11-25.

Conditions:
Carnitine deficiency. Identifiers: MedGen C1142132.
Renal carnitine transport defect (CDSP). Also called: Carnitine Deficiency, Systemic; Primary carnitine deficiency; Systemic primary carnitine deficiency; Systemic primary carnitine deficiency disease; CARNITINE DEFICIENCY, SYSTEMIC, DUE TO DEFECT IN RENAL REABSORPTION OF CARNITINE; CARNITINE TRANSPORTER, PLASMA-MEMBRANE, DEFICIENCY OF. Identifiers: Orphanet 158, MedGen C0342788, MONDO:0008919, OMIM 212140.

Allele frequency attached by ClinVar (database versions not stated): gnomAD exomes below 0.00001; ExAC 0.00001; gnomAD 0.00001 and 0.00002; TOPMed 0.00002; 1000 Genomes Project 0.00020; 1000 Genomes Project 30x 0.00031.
gnomAD v4.1: 8 of 1,613,988 alleles (0.0005%); highest among the groups gnomAD compares: African/African-American, 0.0053%; no homozygotes.

Submissions (3):

Labcorp Genetics (formerly Invitae), Labcorp
Classification: Pathogenic for Renal carnitine transport defect. Last evaluated: 2025-11-25. Review status: criteria provided, single submitter. Criteria: Invitae Variant Classification Sherloc (09022015). Collection method: clinical testing. Allele origin: germline.
Comment: This sequence change replaces tyrosine, which is neutral and polar, with asparagine, which is neutral and polar, at codon 358 of the SLC22A5 protein (p.Tyr358Asn). This variant is present in population databases (rs61731073, gnomAD 0.007%). This missense change has been observed in individual(s) with primary carnitine deficiency (PMID: 20574985; internal data). In at least one individual the data is consistent with being in trans (on the opposite chromosome) from a pathogenic variant. ClinVar contains an entry for this variant (Variation ID: 651951). Invitae Evidence Modeling of protein sequence and biophysical properties (such as structural, functional, and spatial information, amino acid conservation, physicochemical variation, residue mobility, and thermodynamic stability) indicates that this missense variant is expected to disrupt SLC22A5 protein function with a positive predictive value of 95%. Experimental studies have shown that this missense change affects SLC22A5 function (PMID: 28841266). For these reasons, this variant has been classified as Pathogenic.

Natera, Inc.
Classification: Likely pathogenic for Carnitine deficiency. Last evaluated: 2025-07-14. Review status: criteria provided, single submitter. Criteria: Natera Variant Classification Schema (03/2026). Collection method: clinical testing. Allele origin: germline.
Comment: The c.1072T>A variant in SLC22A5 is a missense variant predicted to cause substitution of tyrosine to asparagine at amino acid 358. This variant is rare in the general population with a frequency below the threshold expected for the associated phenotype(s). This variant has been observed in one or more individuals affected with the associated recessive disease, as either homozygous or compound heterozygous with a second variant (PMID: 20574985, 35281663). Functional studies show that this variant may disrupt protein function (PMID: 28841266). Computational prediction algorithms indicate this variant is likely to affect gene or protein function. Given the available evidence, this variant is classified as Likely Pathogenic.

Women's Health and Genetics/Laboratory Corporation of America, LabCorp
Classification: Likely pathogenic for Renal carnitine transport defect. Last evaluated: 2023-04-28. Review status: criteria provided, single submitter. Criteria: LabCorp Variant Classification Summary - May 2015. Collection method: clinical testing. Allele origin: germline.
Comment: Variant summary: SLC22A5 c.1072T>A (p.Tyr358Asn) results in a non-conservative amino acid change located in the Major facilitator superfamily domain (IPR020846) of the encoded protein sequence. Five of five in-silico tools predict a damaging effect of the variant on protein function. The variant allele was found at a frequency of 4e-06 in 251472 control chromosomes (gnomAD). c.1072T>A has been reported in the literature in individuals affected with Systemic Primary Carnitine Deficiency (example: Li_2010). At least one publication reports experimental evidence evaluating an impact on protein function. The most pronounced variant effect results in <10% of normal activity (Frigeni_2017). The following publications have been ascertained in the context of this evaluation (PMID: 28841266, 20574985). One clinical diagnostic laboratory has submitted clinical-significance assessments for this variant to ClinVar after 2014 and classified the variant as pathogenic. Based on the evidence outlined above, the variant was classified as likely pathogenic.

Literature cited by the submitters: PubMed 20574985 (cited by 3 submitters); PubMed 28841266 (cited by 3 submitters); PubMed 35281663 (cited by Natera, Inc.).